The following is an entry in ClinVar:

ClinVar aggregate classification (germline): Uncertain significance (1 of 4 stars; one submission).

Conditions:
Familial episodic pain syndrome with predominantly lower limb involvement. Also called: Episodic pain syndrome, familial, 3. Identifiers: Orphanet 391384, Orphanet 391392, MedGen C3809899, MONDO:0014247, OMIM 615552.
Hereditary sensory and autonomic neuropathy type 7. Also called: Neuropathy, hereditary sensory and autonomic, type VII; HSAN VII. Identifiers: Orphanet 391397, MedGen C3809882, MONDO:0014244, OMIM 615548.

Allele frequency attached by ClinVar (database versions not stated): gnomAD exomes below 0.00001; ExAC 0.00001; TOPMed 0.00001.
gnomAD v4.1: 1 of 1,604,674 alleles (0.000062%); highest among the groups gnomAD compares: Admixed American, 0.0017%; no homozygotes.

Submission:

Labcorp Genetics (formerly Invitae), Labcorp
Classification: Uncertain significance for Familial episodic pain syndrome with predominantly lower limb involvement; Hereditary sensory and autonomic neuropathy type 7. Last evaluated: 2020-11-16. Review status: criteria provided, single submitter. Criteria: Invitae Variant Classification Sherloc (09022015). Collection method: clinical testing. Allele origin: germline.
Comment: In summary, the available evidence is currently insufficient to determine the role of this variant in disease. Therefore, it has been classified as a Variant of Uncertain Significance. This sequence change replaces isoleucine with leucine at codon 1138 of the SCN11A protein (p.Ile1138Leu). The isoleucine residue is weakly conserved and there is a small physicochemical difference between isoleucine and leucine. This variant is present in population databases (rs749719157, ExAC 0.009%). This variant has not been reported in the literature in individuals with SCN11A-related conditions. Algorithms developed to predict the effect of missense changes on protein structure and function (SIFT, PolyPhen-2, Align-GVGD) all suggest that this variant is likely to be tolerated, but these predictions have not been confirmed by published functional studies and their clinical significance is uncertain.

NM_001349253.2(SCN11A):c.3412A>C (p.Ile1138Leu)

Gene: SCN11A (sodium voltage-gated channel alpha subunit 11; minus strand). Cytogenetic location: 3p22.2.
Variant type: single nucleotide variant.
Coding change: c.3412A>C on transcript NM_001349253.2 (MANE Select); coding-DNA position 3412, A replaced by C.
Protein change: p.Ile1138Leu; replaces isoleucine 1138 with leucine.
Molecular consequence: missense variant.
Genome position (GRCh38, 1-based): chr3:38,872,276, T>G on the plus strand (A>C on the coding strand, the complement: SCN11A is on the minus strand). VCF-style: chr3-38872276-T-G. GRCh37 (hg19) VCF-style: chr3-38913767-T-G.
Other names: c.3412A>C, p.Ile1138Leu (NM_014139.3); short protein forms I1138L.
Identifiers: ClinVar variation 1434623 (VCV001434623.8), dbSNP rs749719157, ClinGen allele CA2321792.